The following is an entry in ClinVar:

ClinVar aggregate classification (germline): Uncertain significance (1 of 4 stars; one submission).

Submission:

Labcorp Genetics (formerly Invitae), Labcorp
Classification: Uncertain significance. Last evaluated: 2022-09-23. Review status: criteria provided, single submitter. Criteria: Invitae Variant Classification Sherloc (09022015). Collection method: clinical testing. Allele origin: germline.
Comment: This variant, c.175_177del, results in the deletion of 1 amino acid(s) of the GMNN protein (p.Thr59del), but otherwise preserves the integrity of the reading frame. This variant is not present in population databases (gnomAD no frequency). This variant has not been reported in the literature in individuals affected with GMNN-related conditions. Experimental studies and prediction algorithms are not available or were not evaluated, and the functional significance of this variant is currently unknown. In summary, the available evidence is currently insufficient to determine the role of this variant in disease. Therefore, it has been classified as a Variant of Uncertain Significance.

NM_015895.5(GMNN):c.175_177del (p.Thr59del)

Gene: GMNN (geminin DNA replication inhibitor; plus strand). Cytogenetic location: 6p22.3.
Variant type: Deletion.
Coding change: c.175_177del on transcript NM_015895.5 (MANE Select); coding-DNA positions 175 to 177, 3 bases deleted (ACA; older notation c.175_177delACA).
Protein change: p.Thr59del; deletes threonine 59.
Molecular consequence: inframe deletion.
Genome position (GRCh38, 1-based): chr6:24,781,522-24,781,524, ACA deleted; deleting any 3 consecutive bases within chr6:24,781,521-24,781,524 gives the same sequence; the c. name uses the placement nearest the transcript's 3' end. VCF-style (leftmost placement, unchanged base first): chr6-24781520-TAAC-T. GRCh37 (hg19) VCF-style: chr6-24781748-TAAC-T.
Other names: c.175_177del, p.Thr59del (NM_001251989.2, NM_001251990.2, NM_001251991.1); short protein forms T59del.
Identifiers: ClinVar variation 2111416 (VCV002111416.4), dbSNP rs2532435541, ClinGen allele CA2578544746.